The following is an entry in ClinVar:

ClinVar aggregate classification (germline): Uncertain significance. Review status: criteria provided, multiple submitters, no conflicts (2 of 4 stars). 4 submissions from 4 submitters: Uncertain significance (4). Last evaluated 2026-08-06.

Conditions:
TRIOBP-related disorder. Also called: TRIOBP-related condition.

Allele frequency attached by ClinVar (database versions not stated): ExAC 0.00007; ESP Exome Variant Server 0.00008.
gnomAD v4.1: 206 of 1,612,002 alleles (0.013%); highest among the groups gnomAD compares: Non-Finnish European, 0.016%; no homozygotes.

Submissions (4):

PreventionGenetics, part of Exact Sciences
Classification: Uncertain significance for TRIOBP-related condition. Last evaluated: 2026-08-06. Review status: criteria provided, single submitter. Criteria: ACMG Guidelines, 2015. Collection method: clinical testing. Allele origin: germline.
Comment: The TRIOBP c.3772C>A variant is predicted to result in the amino acid substitution p.Pro1258Thr. To our knowledge, this variant has not been reported in the literature. This variant is reported in 0.0088% of alleles in individuals of European (Non-Finnish) descent in gnomAD. At this time, the clinical significance of this variant is uncertain due to the absence of conclusive functional and genetic evidence.

GeneDx
Classification: Uncertain significance. Last evaluated: 2025-11-20. Review status: criteria provided, single submitter. Criteria: GeneDx Variant Classification Process June 2021. Collection method: clinical testing. Allele origin: germline. Affected: yes.
Comment: In silico analysis supports that this missense variant has a deleterious effect on protein structure/function; Has not been previously published as pathogenic or benign to our knowledge

Blueprint Genetics
Classification: Uncertain significance. Last evaluated: 2024-11-19. Review status: criteria provided, single submitter. Criteria: ACMG Guidelines, 2015. Collection method: clinical testing. Allele origin: germline.

Labcorp Genetics (formerly Invitae), Labcorp
Classification: Uncertain significance. Last evaluated: 2022-02-08. Review status: criteria provided, single submitter. Criteria: Invitae Variant Classification Sherloc (09022015). Collection method: clinical testing. Allele origin: germline.
Comment: This sequence change replaces proline, which is neutral and non-polar, with threonine, which is neutral and polar, at codon 1258 of the TRIOBP protein (p.Pro1258Thr). This variant is present in population databases (rs374553299, gnomAD 0.009%). This variant has not been reported in the literature in individuals affected with TRIOBP-related conditions. Algorithms developed to predict the effect of missense changes on protein structure and function are either unavailable or do not agree on the potential impact of this missense change (SIFT: "Deleterious"; PolyPhen-2: "Probably Damaging"; Align-GVGD: "Class C0"). In summary, the available evidence is currently insufficient to determine the role of this variant in disease. Therefore, it has been classified as a Variant of Uncertain Significance.

NM_001039141.3(TRIOBP):c.3772C>A (p.Pro1258Thr)

Gene: TRIOBP (TRIO and F-actin binding protein; plus strand). Cytogenetic location: 22q13.1.
Variant type: single nucleotide variant.
Coding change: c.3772C>A on transcript NM_001039141.3 (MANE Select); coding-DNA position 3772, C replaced by A.
Protein change: p.Pro1258Thr; replaces proline 1258 with threonine.
Molecular consequence: missense variant.
Genome position (GRCh38, 1-based): chr22:37,726,328, C>A. VCF-style: chr22-37726328-C-A. GRCh37 (hg19) VCF-style: chr22-38122335-C-A.
Other names: short protein forms P1258T.
Identifiers: ClinVar variation 1393437 (VCV001393437.9), dbSNP rs374553299, ClinGen allele CA10224208.